The following is an entry in ClinVar:

NM_014727.3(KMT2B):c.4222dup (p.Ala1408fs)

Gene: KMT2B (lysine methyltransferase 2B; plus strand). Cytogenetic location: 19q13.12.
Variant type: Duplication.
Coding change: c.4222dup on transcript NM_014727.3 (MANE Select); coding-DNA position 4222, one base duplicated (G; older notation c.4222dupG).
Protein change: p.Ala1408fs; shifts the reading frame from alanine 1408.
Molecular consequence: frameshift variant.
Genome position (GRCh38, 1-based): chr19:35,727,542, G duplicated; the last of 4 consecutive G bases (chr19:35,727,539-35,727,542); duplicating any one gives the same sequence. VCF-style (leftmost placement, unchanged base first): chr19-35727538-C-CG. GRCh37 (hg19) VCF-style: chr19-36218439-C-CG.
Other names: short protein forms A1408fs.
Identifiers: ClinVar variation 5041842 (VCV005041842.1).

ClinVar aggregate classification (germline): Pathogenic (1 of 4 stars; one submission).

Submission:

CeGaT Center for Human Genetics Tuebingen
Classification: Pathogenic. Last evaluated: 2026-09-01. Review status: criteria provided, single submitter. Criteria: CeGaT Center For Human Genetics Tuebingen Variant Classification Criteria Version 2. Collection method: clinical testing. Allele origin: germline. Affected: yes. Observed: 1 variant allele.
Comment: KMT2B: PVS1, PM2